The following is an entry in ClinVar:

ClinVar aggregate classification (germline): Benign (1 of 4 stars; one submission).

Conditions:
Focal segmental glomerulosclerosis 3, susceptibility to (FSGS3). Identifiers: Orphanet 656, MedGen C1842982, MONDO:0011917, OMIM 607832.

Allele frequency attached by ClinVar (database versions not stated): gnomAD exomes 0.50000; 1000 Genomes Project 30x 0.52920; 1000 Genomes Project 0.53035; TOPMed 0.60541; gnomAD 0.61509 and 0.61813.
gnomAD v4.1: 93,357 of 151,694 alleles (62%); highest among the groups gnomAD compares: Middle Eastern, 74%; 29,612 homozygotes.

Submission:

Illumina Laboratory Services, Illumina
Classification: Benign for Focal segmental glomerulosclerosis 3, susceptibility to. Last evaluated: 2018-01-13. Review status: criteria provided, single submitter. Criteria: ICSL Variant Classification Criteria 13 December 2019. Collection method: clinical testing. Allele origin: germline.
Comment: This variant was observed in the ICSL laboratory as part of a predisposition screen in an ostensibly healthy population. It had not been previously curated by ICSL or reported in the Human Gene Mutation Database (HGMD: prior to June 1st, 2018), and was therefore a candidate for classification through an automated scoring system. Utilizing variant allele frequency, disease prevalence and penetrance estimates, and inheritance mode, an automated score was calculated to assess if this variant is too frequent to cause the disease. Based on the score and internal cut-off values, a variant classified as benign is not then subjected to further curation. The score for this variant resulted in a classification of benign for this disease.

NM_012120.3(CD2AP):c.*2039T>C

Gene: CD2AP (CD2 associated protein; plus strand). Cytogenetic location: 6p12.3.
Variant type: single nucleotide variant.
Coding change: c.*2039T>C on transcript NM_012120.3 (MANE Select); 2039 bases downstream of the stop codon, T replaced by C.
Molecular consequence: 3 prime UTR variant.
Genome position (GRCh38, 1-based): chr6:47,626,266, T>C. VCF-style: chr6-47626266-T-C. GRCh37 (hg19) VCF-style: chr6-47594002-T-C.
Identifiers: ClinVar variation 357222 (VCV000357222.5), dbSNP rs1043276, ClinGen allele CA10627160.